The following is an entry in ClinVar:

NM_017777.4(MKS1):c.1534G>A (p.Val512Met)

Gene: MKS1 (MKS transition zone complex subunit 1; minus strand). Cytogenetic location: 17q22.
Variant type: single nucleotide variant.
Coding change: c.1534G>A on transcript NM_017777.4 (MANE Select); coding-DNA position 1534, G replaced by A.
Protein change: p.Val512Met; replaces valine 512 with methionine.
Molecular consequence: missense variant. On other transcripts: synonymous variant (1).
Genome position (GRCh38, 1-based): chr17:58,206,337, C>T on the plus strand (G>A on the coding strand, the complement: MKS1 is on the minus strand). VCF-style: chr17-58206337-C-T. GRCh37 (hg19) VCF-style: chr17-56283698-C-T.
Other names: c.925G>A, p.Val309Met (NM_001321268.2); c.1451G>A, p.Cys484Tyr (NM_001321269.2); c.1317G>A, p.Val439= (NM_001330397.2); short protein forms V512M, C484Y, V309M.
Identifiers: ClinVar variation 948526 (VCV000948526.11), dbSNP rs370130538, ClinGen allele CA292007602.

ClinVar aggregate classification (germline): Uncertain significance. Review status: criteria provided, multiple submitters, no conflicts (2 of 4 stars). 5 submissions from 5 submitters: Uncertain significance (4). 1 of the submissions does not count toward it. Last evaluated 2024-12-31.

Conditions:
Meckel-Gruber syndrome. Also called: DYSENCEPHALIA SPLANCHNOCYSTICA; Dysencephalia splachnocystica; GRUBER SYNDROME. Identifiers: Orphanet 564, MedGen C0265215, MONDO:0018921.
Joubert syndrome. Also called: Familial aplasia of the vermis; JOUBERT-BOLTSHAUSER SYNDROME. Identifiers: Orphanet 475, MedGen C5979921, MONDO:0018772.
MKS1-related disorder. Also called: MKS1-related condition; MKS1-related disorders. Identifiers: MedGen CN239382.
Meckel syndrome, type 1 (MKS1). Also called: MECKEL-GRUBER SYNDROME, TYPE 1. Identifiers: Orphanet 564, MedGen C3714506, MONDO:0009571, OMIM 249000.

Allele frequency attached by ClinVar (database versions not stated): gnomAD exomes 0.00001; TOPMed 0.00002; gnomAD 0.00003; ESP Exome Variant Server 0.00008.
gnomAD v4.1: 20 of 1,613,988 alleles (0.0012%); highest among the groups gnomAD compares: African/African-American, 0.0027%; no homozygotes.

Submissions (5):

PreventionGenetics, part of Exact Sciences
Classification: Uncertain significance for MKS1-related condition. Last evaluated: 2024-12-31. Review status: criteria provided, single submitter. Criteria: ACMG Guidelines, 2015. Collection method: clinical testing. Allele origin: germline.
Comment: The MKS1 c.1534G>A variant is predicted to result in the amino acid substitution p.Val512Met. To our knowledge, this variant has not been reported in the literature. This variant is reported in 0.0026% of alleles in individuals of European (Non-Finnish) descent in gnomAD. At this time, the clinical significance of this variant is uncertain due to the absence of conclusive functional and genetic evidence.

Labcorp Genetics (formerly Invitae), Labcorp
Classification: Uncertain significance for Joubert syndrome; Meckel-Gruber syndrome. Last evaluated: 2024-12-02. Review status: criteria provided, single submitter. Criteria: Invitae Variant Classification Sherloc (09022015). Collection method: clinical testing. Allele origin: germline.
Comment: This sequence change replaces valine, which is neutral and non-polar, with methionine, which is neutral and non-polar, at codon 512 of the MKS1 protein (p.Val512Met). This variant is present in population databases (rs370130538, gnomAD 0.003%). This variant has not been reported in the literature in individuals affected with MKS1-related conditions. ClinVar contains an entry for this variant (Variation ID: 948526). Invitae Evidence Modeling of protein sequence and biophysical properties (such as structural, functional, and spatial information, amino acid conservation, physicochemical variation, residue mobility, and thermodynamic stability) indicates that this missense variant is not expected to disrupt MKS1 protein function with a negative predictive value of 80%. In summary, the available evidence is currently insufficient to determine the role of this variant in disease. Therefore, it has been classified as a Variant of Uncertain Significance.

Blueprint Genetics
Classification: Uncertain significance. Last evaluated: 2022-09-07. Review status: criteria provided, single submitter. Criteria: ACMG Guidelines, 2015. Collection method: clinical testing. Allele origin: germline.

GeneDx
Classification: Uncertain significance. Last evaluated: 2021-12-30. Review status: criteria provided, single submitter. Criteria: GeneDx Variant Classification Process June 2021. Collection method: clinical testing. Allele origin: germline. Affected: yes.
Comment: Not observed at a significant frequency in large population cohorts (Lek et al., 2016); In silico analysis supports that this missense variant does not alter protein structure/function; Has not been previously published as pathogenic or benign to our knowledge

Natera, Inc.
Classification: Uncertain significance for Meckel syndrome type 1. Last evaluated: 2020-05-14. Review status: no assertion criteria provided. Collection method: clinical testing. Allele origin: germline. Not counted in ClinVar's aggregate classification.